The following is an entry in ClinVar:

NM_001347721.2(DYRK1A):c.664C>T (p.Arg222Ter)

Gene: DYRK1A (dual specificity tyrosine phosphorylation regulated kinase 1A; plus strand). Cytogenetic location: 21q22.13.
Variant type: single nucleotide variant.
Coding change: c.664C>T on transcript NM_001347721.2 (MANE Select); coding-DNA position 664, C replaced by T.
Protein change: p.Arg222Ter; replaces arginine 222 with a stop codon.
Molecular consequence: nonsense.
Genome position (GRCh38, 1-based): chr21:37,490,201, C>T. VCF-style: chr21-37490201-C-T. GRCh37 (hg19) VCF-style: chr21-38862503-C-T.
Other names: c.664C>T, p.Arg222Ter (NM_001347722.2, NM_130436.2); c.577C>T, p.Arg193Ter (NM_001347723.2); c.691C>T, p.Arg231Ter (NM_001396.5, NM_101395.2, NM_130438.2); short protein forms R231*, R193*, R222*.
Identifiers: ClinVar variation 423502 (VCV000423502.17), dbSNP rs780441716, ClinGen allele CA10023842.

ClinVar aggregate classification (germline): Pathogenic/Likely pathogenic. Review status: criteria provided, multiple submitters, no conflicts (2 of 4 stars). 8 submissions from 8 submitters: Pathogenic (7); Likely pathogenic (1). Last evaluated 2025-03-27.

Conditions:
DYRK1A-related intellectual disability syndrome (MRD7). Also called: Intellectual developmental disorder, autosomal dominant 7; DYRK1A Syndrome. Identifiers: Orphanet 464306, MedGen C5568143, MONDO:0013578, OMIM 614104.
DYRK1A-related disorder.
Inborn genetic diseases. Identifiers: MedGen C0950123, MeSH D030342.
Complex neurodevelopmental disorder. Identifiers: Orphanet 528084, MedGen C5568766, MONDO:0100038.

Allele frequency attached by ClinVar (database versions not stated): ExAC below 0.00001; gnomAD exomes below 0.00001.
gnomAD v4.1: 1 of 1,613,042 alleles (0.000062%); highest among the groups gnomAD compares: Non-Finnish European, 0.000085%; no homozygotes.

Submissions (8):

3billion
Classification: Pathogenic for DYRK1A-related intellectual disability syndrome. Last evaluated: 2025-03-27. Review status: criteria provided, single submitter. Criteria: ACMG Guidelines, 2015. Collection method: clinical testing. Allele origin: germline. Affected: yes.

Labcorp Genetics (formerly Invitae), Labcorp
Classification: Pathogenic for DYRK1A-related intellectual disability syndrome. Last evaluated: 2023-07-07. Review status: criteria provided, single submitter. Criteria: Invitae Variant Classification Sherloc (09022015). Collection method: clinical testing. Allele origin: germline.
Comment: For these reasons, this variant has been classified as Pathogenic. Algorithms developed to predict the effect of sequence changes on RNA splicing suggest that this variant may create or strengthen a splice site. ClinVar contains an entry for this variant (Variation ID: 423502). This premature translational stop signal has been observed in individual(s) with a neurodevelopmental disorder and multiple congenital anomalies (PMID: 28053047). This variant is not present in population databases (gnomAD no frequency). This sequence change creates a premature translational stop signal (p.Arg231*) in the DYRK1A gene. It is expected to result in an absent or disrupted protein product. Loss-of-function variants in DYRK1A are known to be pathogenic (PMID: 25944381).

GeneDx
Classification: Pathogenic. Last evaluated: 2022-08-15. Review status: criteria provided, single submitter. Criteria: GeneDx Variant Classification Process June 2021. Collection method: clinical testing. Allele origin: germline. Affected: yes.
Comment: Nonsense variant predicted to result in protein truncation or nonsense mediated decay in a gene for which loss of function is a known mechanism of disease; This variant is associated with the following publications: (PMID: 25533962, 28053047, 28135719, 30564305, 33562844, 31785789, 33004838)

Blueprint Genetics
Classification: Pathogenic for DYRK1A-related disorders. Last evaluated: 2022-03-31. Review status: criteria provided, single submitter. Criteria: ACMG Guidelines, 2015. Collection method: clinical testing. Allele origin: de novo. Affected: yes. Observed: 2 variant alleles.

Illumina Laboratory Services, Illumina
Classification: Pathogenic for DYRK1A-related intellectual disability syndrome. Last evaluated: 2018-04-06. Review status: criteria provided, single submitter. Criteria: ICSLVariantClassificationCriteria RUGD 01 April 2020. Collection method: clinical testing. Allele origin: unknown.
Comment: The DYRK1A c.691C>T (p.Arg231Ter) stop gained variant has been reported in a de novo heterozygous state in two individuals with the key features of DYRK1A-related intellectual disability syndrome, including intellectual disability, developmental delay, microcephaly, and characteristic dysmorphic facial features (Fitzgerald et al. 2015; Valencia et al. 2015; Evers et al. 2017). At least one of the two also showed cardiac defect, ophthalmological abnormality, poor weight gain, delayed speech development, and short stature. The p.Arg231Ter variant is not present in the Genome Aggregation Database. Functional studies of the variant have not been conducted, but it is predicted to produce an absent or severely truncated protein product, including loss of more than half of the protein kinase domain. Based on the collective evidence, the c.691C>T p.Arg231Ter variant is classified as pathogenic for DYRK1A-related intellectual disability syndrome.

Clinical Genetics and Genomics, Karolinska University Hospital
Classification: Pathogenic. Last evaluated: 2016-10-19. Review status: criteria provided, single submitter. Criteria: ACMG Guidelines, 2015. Collection method: clinical testing. Allele origin: germline. Affected: yes. Observed: 1 variant allele.

Ambry Genetics
Classification: Pathogenic for Inborn genetic diseases. Last evaluated: 2015-10-08. Review status: criteria provided, single submitter. Criteria: Ambry exome assertion method (8-5-2015). Collection method: clinical testing. Allele origin: germline. Affected: yes. Observed: 2 variant alleles.

Neuberg Centre For Genomic Medicine, NCGM
Classification: Likely pathogenic for DYRK1A-related intellectual disability syndrome. Review status: criteria provided, single submitter. Criteria: ACMG Guidelines, 2015. Collection method: clinical testing. Allele origin: germline. Inheritance: Autosomal dominant inheritance. Affected: yes.
Comment: The stop-gained variant c.664C>T (p.Arg222Ter) in DYRK1A has been reported previously as a de novo variant in an individual (Fitzgerald et al., 2015). This variant has been reported to the ClinVar database as Pathogenic. The c.664C>T variant is reported with allele frequency 0.0004% in gnomAD exomes and novel in 1000 Genomes. The nucleotide change c.664C>T in DYRK1A is predicted as conserved by GERP++ and PhyloP across 100 vertebrates. This variant is predicted to cause loss of normal protein function. Loss of function variants have been previously reported to be disease causing. For these reasons, this variant has been classified as Likely Pathogenic .

Literature cited by the submitters: PubMed 25533962 (cited by 3billion); PubMed 28053047 (cited by 3billion and Labcorp Genetics (formerly Invitae), Labcorp); PubMed 25944381 (cited by Labcorp Genetics (formerly Invitae), Labcorp).